The following is an entry in ClinVar:

NM_006767.4(LZTR1):c.1532_1533del (p.Val511fs)

Gene: LZTR1 (leucine zipper like post translational regulator 1; plus strand). Cytogenetic location: 22q11.21.
Variant type: Deletion.
Coding change: c.1532_1533del on transcript NM_006767.4 (MANE Select); coding-DNA positions 1532 to 1533, 2 bases deleted (TG; older notation c.1532_1533delTG).
Protein change: p.Val511fs; shifts the reading frame from valine 511.
Molecular consequence: frameshift variant.
Genome position (GRCh38, 1-based): chr22:20,994,186-20,994,187, TG deleted; deleting any 2 consecutive bases within chr22:20,994,185-20,994,187 gives the same sequence; the c. name uses the placement nearest the transcript's 3' end. VCF-style (leftmost placement, unchanged base first): chr22-20994184-CGT-C. GRCh37 (hg19) VCF-style: chr22-21348473-CGT-C.
Other names: short protein forms V511fs.
Identifiers: ClinVar variation 2019901 (VCV002019901.4), dbSNP rs2518620953, ClinGen allele CA2580099197.
Genomic context (GRCh38, chr22:20,994,184, plus strand): 5'-CCCAGTTCCCAGGGAGGCCCCCGGCGTGGCTGCTGGTGGGGCCCGGCCGCCCCTGCTGCA[CGT>C]GGCCATCCGGGAGGCCGAGGCCCGGCCCTTCGAGGTGCTCATGCAGTTCCTCTACACCGA-3'

ClinVar aggregate classification (germline): Pathogenic (1 of 4 stars; one submission).

Submission:

Labcorp Genetics (formerly Invitae), Labcorp
Classification: Pathogenic. Last evaluated: 2022-07-27. Review status: criteria provided, single submitter. Criteria: Invitae Variant Classification Sherloc (09022015). Collection method: clinical testing. Allele origin: germline.
Comment: For these reasons, this variant has been classified as Pathogenic. This variant has not been reported in the literature in individuals affected with LZTR1-related conditions. This variant is not present in population databases (gnomAD no frequency). This sequence change creates a premature translational stop signal (p.Val511Glyfs*157) in the LZTR1 gene. It is expected to result in an absent or disrupted protein product. Loss-of-function variants in LZTR1 are known to be pathogenic (PMID: 24362817, 25335493, 25480913, 25795793, 29469822, 30442762, 30442766, 30481304, 30859559).

Literature cited by the submitters: PubMed 24362817; PubMed 25335493; PubMed 25480913; PubMed 25795793; PubMed 29469822; PubMed 30442762; PubMed 30442766; PubMed 30481304; PubMed 30859559.